The following is an entry in ClinVar:

NC_000023.10:g.(?_10417408)_(10463751_?)del

Gene: MID1 (midline 1; minus strand). Cytogenetic location: Xp22.2.
Variant type: Deletion.
Identifiers: ClinVar variation 3245800 (VCV003245800.1).

ClinVar aggregate classification (germline): Pathogenic (1 of 4 stars; one submission).

Submission:

Labcorp Genetics (formerly Invitae), Labcorp
Classification: Pathogenic. Last evaluated: 2023-03-06. Review status: criteria provided, single submitter. Criteria: Invitae Variant Classification Sherloc (09022015). Collection method: clinical testing. Allele origin: unknown.
Comment: For these reasons, this variant has been classified as Pathogenic. This variant disrupts a region of the MID1 protein in which other variant(s) (p.His600Profs*12) have been determined to be pathogenic (PMID: 17043407, 32926417; Invitae). This suggests that this is a clinically significant region of the protein, and that variants that disrupt it are likely to be disease-causing. This variant has not been reported in the literature in individuals affected with MID1-related conditions. This variant is a gross deletion of the genomic region encompassing exon(s) 4-10 of the MID1 Deletion gene, which includes the termination codon. This deletion extends beyond the assayed region for this gene and therefore may encompass additional genes. While this deletion is not anticipated to lead to nonsense mediated decay, it is expected to alter mRNA translation or result in a truncated protein product.

Literature cited by the submitters: PubMed 17043407; PubMed 32926417.